The following is an entry in ClinVar:

NM_002335.4(LRP5):c.884-3C>G

Gene: LRP5 (LDL receptor related protein 5; plus strand). Cytogenetic location: 11q13.2.
Variant type: single nucleotide variant.
Coding change: c.884-3C>G on transcript NM_002335.4 (MANE Select); 3 bases into the intron before coding-DNA position 884, C replaced by G.
Molecular consequence: intron variant.
Genome position (GRCh38, 1-based): chr11:68,365,568, C>G. VCF-style: chr11-68365568-C-G. GRCh37 (hg19) VCF-style: chr11-68133036-C-G.
Other names: c.-882-3C>G (NM_001291902.2).
Identifiers: ClinVar variation 3392495 (VCV003392495.2).

ClinVar aggregate classification (germline): Uncertain significance (1 of 4 stars; one submission).

Conditions:
Autosomal dominant osteopetrosis 1 (OPTA1). Also called: OSTEOPETROSIS, AUTOSOMAL DOMINANT, TYPE I. Identifiers: Orphanet 2783, MedGen C1843330, MONDO:0011877, OMIM 607634.
Bone mineral density quantitative trait locus 1 (BMND1). Identifiers: MedGen C1866079, OMIM 601884.
Worth disease. Also called: ENDOSTEAL HYPEROSTOSIS, AUTOSOMAL DOMINANT; OSTEOSCLEROSIS, AUTOSOMAL DOMINANT; Autosomal dominant osteosclerosis, Worth type. Identifiers: Orphanet 2790, MedGen C0432273, MONDO:0007764, OMIM 144750.
Polycystic liver disease 4 with or without kidney cysts. Identifiers: MedGen C4693479, MONDO:0044327, OMIM 617875.
Exudative vitreoretinopathy 4 (EVR4). Identifiers: Orphanet 891, MedGen C1866176, MONDO:0011151, OMIM 601813.
Osteoporosis with pseudoglioma (OPPG). Also called: osteoporosis-pseudoglioma syndrome. Identifiers: Orphanet 2788, MedGen C0432252, MONDO:0009820, OMIM 259770.

Submission:

Juno Genomics, Hangzhou Juno Genomics, Inc
Classification: Uncertain significance for Exudative vitreoretinopathy 4; Worth disease; Autosomal dominant osteopetrosis 1; Osteoporosis with pseudoglioma; Polycystic liver disease 4 with or without kidney cysts; Bone mineral density quantitative trait locus 1. Review status: criteria provided, single submitter. Criteria: ACMG Guidelines, 2015. Collection method: clinical testing. Allele origin: germline. Affected: yes.
Comment: Absent from controls (or at extremely low frequency if recessive) in Genome Aggregation Database, Exome Sequencing Project, 1000 Genomes Project, or Exome Aggregation Consortium.;Multiple lines of computational evidence support a deleterious effect on the gene or gene product (conservation, evolutionary, splicing impact, etc).